The following is an entry in ClinVar:

NM_001040108.2(MLH3):c.1019T>C (p.Ile340Thr)

Gene: MLH3 (mutL homolog 3; minus strand). Cytogenetic location: 14q24.3.
Variant type: single nucleotide variant.
Coding change: c.1019T>C on transcript NM_001040108.2 (MANE Select); coding-DNA position 1019, T replaced by C.
Protein change: p.Ile340Thr; replaces isoleucine 340 with threonine.
Molecular consequence: missense variant.
Genome position (GRCh38, 1-based): chr14:75,048,637, A>G on the plus strand (T>C on the coding strand, the complement: MLH3 is on the minus strand). VCF-style: chr14-75048637-A-G. GRCh37 (hg19) VCF-style: chr14-75515340-A-G.
Other names: c.1019T>C, p.Ile340Thr (NM_014381.3); short protein forms I340T.
Identifiers: ClinVar variation 1753738 (VCV001753738.6), dbSNP rs1892437306, ClinGen allele CA390448039.

ClinVar aggregate classification (germline): Uncertain significance. Review status: criteria provided, multiple submitters, no conflicts (2 of 4 stars). 2 submissions from 2 submitters: Uncertain significance (2). Last evaluated 2025-02-14.

Conditions:
Colorectal cancer, hereditary nonpolyposis, type 7. Identifiers: Orphanet 144, MedGen C1858380, MONDO:0013725, OMIM 614385.

Allele frequency attached by ClinVar (database versions not stated): TOPMed below 0.00001.

Submissions (2):

Ambry Genetics
Classification: Uncertain significance. Last evaluated: 2025-02-14. Review status: criteria provided, single submitter. Criteria: Ambry Variant Classification Scheme 2023. Collection method: clinical testing. Allele origin: germline.
Comment: The p.I340T variant (also known as c.1019T>C), located in coding exon 1 of the MLH3 gene, results from a T to C substitution at nucleotide position 1019. The isoleucine at codon 340 is replaced by threonine, an amino acid with similar properties. This amino acid position is poorly conserved in available vertebrate species. In addition, the in silico prediction for this alteration is inconclusive. Since supporting evidence is limited at this time, the clinical significance of this alteration remains unclear.

Labcorp Genetics (formerly Invitae), Labcorp
Classification: Uncertain significance for Colorectal cancer, hereditary nonpolyposis, type 7. Last evaluated: 2023-09-09. Review status: criteria provided, single submitter. Criteria: Invitae Variant Classification Sherloc (09022015). Collection method: clinical testing. Allele origin: germline.
Comment: In summary, the available evidence is currently insufficient to determine the role of this variant in disease. Therefore, it has been classified as a Variant of Uncertain Significance. An algorithm developed to predict the effect of missense changes on protein structure and function (PolyPhen-2) suggests that this variant is likely to be disruptive. ClinVar contains an entry for this variant (Variation ID: 1753738). This variant has not been reported in the literature in individuals affected with MLH3-related conditions. This variant is not present in population databases (gnomAD no frequency). This sequence change replaces isoleucine, which is neutral and non-polar, with threonine, which is neutral and polar, at codon 340 of the MLH3 protein (p.Ile340Thr).